The following is an entry in ClinVar:

NM_000482.4(APOA4):c.913C>A (p.Arg305Ser)

Gene: APOA4 (apolipoprotein A4; minus strand). Cytogenetic location: 11q23.3.
Variant type: single nucleotide variant.
Coding change: c.913C>A on transcript NM_000482.4 (MANE Select); coding-DNA position 913, C replaced by A.
Protein change: p.Arg305Ser; replaces arginine 305 with serine.
Molecular consequence: missense variant.
Genome position (GRCh38, 1-based): chr11:116,821,145, G>T on the plus strand (C>A on the coding strand, the complement: APOA4 is on the minus strand). VCF-style: chr11-116821145-G-T. GRCh37 (hg19) VCF-style: chr11-116691861-G-T.
Other names: short protein forms R305S.
Identifiers: ClinVar variation 2717301 (VCV002717301.3), dbSNP rs150264487, ClinGen allele CA6289282.

ClinVar aggregate classification (germline): Uncertain significance (1 of 4 stars; one submission).

Submission:

Labcorp Genetics (formerly Invitae), Labcorp
Classification: Uncertain significance. Last evaluated: 2024-08-04. Review status: criteria provided, single submitter. Criteria: Invitae Variant Classification Sherloc (09022015). Collection method: clinical testing. Allele origin: germline.
Comment: This sequence change replaces arginine, which is basic and polar, with serine, which is neutral and polar, at codon 305 of the APOA4 protein (p.Arg305Ser). The frequency data for this variant in the population databases is considered unreliable, as metrics indicate poor data quality at this position in the gnomAD database. This variant has not been reported in the literature in individuals affected with APOA4-related conditions. Advanced modeling of protein sequence and biophysical properties (such as structural, functional, and spatial information, amino acid conservation, physicochemical variation, residue mobility, and thermodynamic stability) performed at Invitae indicates that this missense variant is not expected to disrupt APOA4 protein function with a negative predictive value of 80%. In summary, the available evidence is currently insufficient to determine the role of this variant in disease. Therefore, it has been classified as a Variant of Uncertain Significance.